The following is an entry in ClinVar:

NC_000008.10:g.(?_43027433)_(43054712_?)dup

Gene: HGSNAT (heparan-alpha-glucosaminide N-acetyltransferase; plus strand). Cytogenetic location: 8p11.21.
Variant type: Duplication.
Identifiers: ClinVar variation 1450218 (VCV001450218.4).

ClinVar aggregate classification (germline): Uncertain significance (1 of 4 stars; one submission).

Conditions:
Mucopolysaccharidosis, MPS-III-C (MPS3C). Also called: SANFILIPPO SYNDROME C; MPS III C; MPS IIIC (Sanfilippo Syndrome Type C); MUCOPOLYSACCHARIDOSIS, TYPE IIIC; Mucopolysaccharidosis type IIIC (Sanfilippo C); mucopolysaccharidosis type 3C. Identifiers: Orphanet 581, Orphanet 79271, MedGen C0086649, MONDO:0009657, OMIM 252930.
Retinitis pigmentosa 73 (RP73). Identifiers: Orphanet 791, MedGen C4225287, MONDO:0014687, OMIM 616544.

Submission:

Labcorp Genetics (formerly Invitae), Labcorp
Classification: Uncertain significance for Retinitis pigmentosa 73; Mucopolysaccharidosis, MPS-III-C. Last evaluated: 2022-10-25. Review status: criteria provided, single submitter. Criteria: Invitae Variant Classification Sherloc (09022015). Collection method: clinical testing. Allele origin: germline.
Comment: This variant results in a copy number gain of the genomic region encompassing exon(s) 8-18 of the HGSNAT gene. This region includes the termination codon of the gene. This copy number gain extends beyond the assayed region for this gene and therefore may encompass additional genes. As the precise location of this event is unknown, it may be in tandem or it may be located elsewhere in the genome. This variant has not been reported in the literature in individuals affected with HGSNAT-related conditions. Experimental studies and prediction algorithms are not available or were not evaluated, and the functional significance of this variant is currently unknown. In summary, the available evidence is currently insufficient to determine the role of this variant in disease. Therefore, it has been classified as a Variant of Uncertain Significance.